The following is an entry in ClinVar:

NM_001148.6(ANK2):c.2098C>G (p.His700Asp)

Gene: ANK2 (ankyrin 2; plus strand). Cytogenetic location: 4q26.
Variant type: single nucleotide variant.
Coding change: c.2098C>G on transcript NM_001148.6 (MANE Select); coding-DNA position 2098, C replaced by G.
Protein change: p.His700Asp; replaces histidine 700 with aspartic acid.
Molecular consequence: missense variant.
Genome position (GRCh38, 1-based): chr4:113,287,623, C>G. VCF-style: chr4-113287623-C-G. GRCh37 (hg19) VCF-style: chr4-114208779-C-G.
Other names: c.2035C>G, p.His679Asp (NM_001127493.3, NM_001354239.2, NM_001354243.2 and 10 more transcripts); c.2098C>G, p.His700Asp (NM_001354225.2, NM_001354228.2, NM_001354232.2 and 6 more transcripts); c.2143C>G, p.His715Asp (NM_001354230.2, NM_001354231.2, NM_001354237.2 and 5 more transcripts); c.1999C>G, p.His667Asp (NM_001354245.2, NM_001354268.2); c.2011C>G, p.His671Asp (NM_001354249.2, NM_001354264.2, NM_001354266.2 and 10 more transcripts); c.1936C>G, p.His646Asp (NM_001354253.2, NM_001354257.2, NM_001354270.2 and 1 more transcripts); c.1912C>G, p.His638Asp (NM_001354260.2, NM_001354271.2, NM_001386151.1); c.2056C>G, p.His686Asp (NM_001354261.2, NM_001386147.1, NM_001386160.1); and 8 more; short protein forms H605D, H638D, H671D, H688D, H696D, H715D, H572D, H634D.
Identifiers: ClinVar variation 3541063 (VCV003541063.2).

ClinVar aggregate classification (germline): Uncertain significance. Review status: criteria provided, multiple submitters, no conflicts (2 of 4 stars). 2 submissions from 2 submitters: Uncertain significance (2). Last evaluated 2025-03-03.

Conditions:
Long QT syndrome (LQTS). Identifiers: MedGen C0023976, MeSH D008133, MONDO:0002442. Disease mechanism: loss of function. Inheritance: Various modes of inheritance.
Cardiovascular phenotype. Identifiers: MedGen CN230736.

Submissions (2):

Labcorp Genetics (formerly Invitae), Labcorp
Classification: Uncertain significance for Long QT syndrome. Last evaluated: 2025-03-03. Review status: criteria provided, single submitter. Criteria: Invitae Variant Classification Sherloc (09022015). Collection method: clinical testing. Allele origin: germline.
Comment: This sequence change replaces histidine, which is basic and polar, with aspartic acid, which is acidic and polar, at codon 700 of the ANK2 protein (p.His700Asp). This variant is not present in population databases (gnomAD no frequency). This variant has not been reported in the literature in individuals affected with ANK2-related conditions. ClinVar contains an entry for this variant (Variation ID: 3541063). Invitae Evidence Modeling of protein sequence and biophysical properties (such as structural, functional, and spatial information, amino acid conservation, physicochemical variation, residue mobility, and thermodynamic stability) indicates that this missense variant is expected to disrupt ANK2 protein function with a positive predictive value of 80%. In summary, the available evidence is currently insufficient to determine the role of this variant in disease. Therefore, it has been classified as a Variant of Uncertain Significance.

Ambry Genetics
Classification: Uncertain significance for Cardiovascular phenotype. Last evaluated: 2024-10-08. Review status: criteria provided, single submitter. Criteria: Ambry Variant Classification Scheme 2023. Collection method: clinical testing. Allele origin: germline.